The following is an entry in ClinVar:

ClinVar aggregate classification (germline): Uncertain significance. Review status: criteria provided, multiple submitters, no conflicts (2 of 4 stars). 3 submissions from 3 submitters: Uncertain significance (3). Last evaluated 2025-12-23.

Conditions:
Renal cell carcinoma. Identifiers: Orphanet 217071, MedGen C0007134, MeSH D002292, MONDO:0005086, HP:0005584.
Hereditary cancer-predisposing syndrome. Also called: Hereditary Cancer Syndrome; Hereditary neoplastic syndrome; Neoplastic Syndromes, Hereditary; Tumor predisposition. Identifiers: Orphanet 140162, MedGen C0027672, MeSH D009386, MONDO:0015356.

Allele frequency attached by ClinVar (database versions not stated): gnomAD exomes below 0.00001 and 0.00001; gnomAD 0.00001; TOPMed 0.00001.
gnomAD v4.1: 8 of 1,613,336 alleles (0.0005%); highest among the groups gnomAD compares: Non-Finnish European, 0.00068%; no homozygotes.

Submissions (3):

Labcorp Genetics (formerly Invitae), Labcorp
Classification: Uncertain significance for Renal cell carcinoma. Last evaluated: 2025-12-23. Review status: criteria provided, single submitter. Criteria: Invitae Variant Classification Sherloc (09022015). Collection method: clinical testing. Allele origin: germline.
Comment: This sequence change replaces aspartic acid, which is acidic and polar, with glutamic acid, which is acidic and polar, at codon 1028 of the MET protein (p.Asp1028Glu). This variant is present in population databases (rs565938550, gnomAD 0.0009%). This variant has not been reported in the literature in individuals affected with MET-related conditions. ClinVar contains an entry for this variant (Variation ID: 216504). An algorithm developed to predict the effect of missense changes on protein structure and function (PolyPhen-2) suggests that this variant is likely to be tolerated. In summary, the available evidence is currently insufficient to determine the role of this variant in disease. Therefore, it has been classified as a Variant of Uncertain Significance.

GeneDx
Classification: Uncertain significance. Last evaluated: 2024-12-03. Review status: criteria provided, single submitter. Criteria: GeneDx Variant Classification Process June 2021. Collection method: clinical testing. Allele origin: germline. Affected: yes.
Comment: Not observed at significant frequency in large population cohorts (gnomAD); In silico analysis supports that this missense variant has a deleterious effect on protein structure/function; Has not been previously published as pathogenic or benign to our knowledge; In silico analysis suggests this variant may impact gene splicing. In the absence of RNA/functional studies, the actual effect of this sequence change is unknown.

Ambry Genetics
Classification: Uncertain significance for Hereditary cancer-predisposing syndrome. Last evaluated: 2023-11-27. Review status: criteria provided, single submitter. Criteria: Ambry Variant Classification Scheme 2023. Collection method: clinical testing. Allele origin: germline.
Comment: The p.D1028E variant (also known as c.3084T>A), located in coding exon 14 of the MET gene, results from a T to A substitution at nucleotide position 3084. The aspartic acid at codon 1028 is replaced by glutamic acid, an amino acid with highly similar properties. This amino acid position is highly conserved in available vertebrate species. In addition, this alteration is predicted to be tolerated by in silico analysis. Since supporting evidence is limited at this time, the clinical significance of this alteration remains unclear.

NM_000245.4(MET):c.3030T>A (p.Asp1010Glu)

Gene: MET (MET proto-oncogene, receptor tyrosine kinase; plus strand). Cytogenetic location: 7q31.2.
Variant type: single nucleotide variant.
Coding change: c.3030T>A on transcript NM_000245.4 (MANE Select); coding-DNA position 3030, T replaced by A.
Protein change: p.Asp1010Glu; replaces aspartic acid 1010 with glutamic acid.
Molecular consequence: missense variant.
Genome position (GRCh38, 1-based): chr7:116,774,882, T>A. VCF-style: chr7-116774882-T-A. GRCh37 (hg19) VCF-style: chr7-116414936-T-A.
Other names: c.3084T>A, p.Asp1028Glu (NM_001127500.3); c.1740T>A, p.Asp580Glu (NM_001324402.2); c.3084T>A (LRG_662t1); short protein forms D1028E, D1010E, D580E.
Identifiers: ClinVar variation 216504 (VCV000216504.16), dbSNP rs565938550, ClinGen allele CA337936.